The following is an entry in ClinVar:

ClinVar aggregate classification (germline): Uncertain significance. Review status: criteria provided, multiple submitters, no conflicts (2 of 4 stars). 3 submissions from 3 submitters: Uncertain significance (3). Last evaluated 2025-03-04.

Conditions:
Hypophosphatemic nephrolithiasis/osteoporosis 1. Identifiers: Orphanet 244305, MedGen C2676786, MONDO:0012850, OMIM 612286.
Fanconi renotubular syndrome 2 (FRTS2). Identifiers: MedGen C3150652, MONDO:0013247, OMIM 613388.
Hypercalcemia, infantile, 2 (HCINF2). Identifiers: Orphanet 300547, MedGen C4310473, MONDO:0014851, OMIM 616963.

Allele frequency attached by ClinVar (database versions not stated): gnomAD 0.00001; TOPMed 0.00001; ExAC 0.00002; gnomAD exomes 0.00002; 1000 Genomes Project 30x 0.00016; 1000 Genomes Project 0.00020.
gnomAD v4.1: 19 of 1,608,864 alleles (0.0012%); highest among the groups gnomAD compares: South Asian, 0.0077%; no homozygotes.

Submissions (3):

Institute of Human Genetics, University of Leipzig Medical Center
Classification: Uncertain significance for Hypercalcemia, infantile, 2. Last evaluated: 2025-03-04. Review status: criteria provided, single submitter. Criteria: ACMG Guidelines, 2015. Collection method: clinical testing. Allele origin: unknown. Inheritance: Autosomal recessive inheritance. Affected: yes.
Comment: Criteria applied: PM2,PM1_SUP,PP3

Fulgent Genetics
Classification: Uncertain significance for Hypophosphatemic nephrolithiasis/osteoporosis 1; Fanconi renotubular syndrome 2; Hypercalcemia, infantile, 2. Last evaluated: 2024-05-17. Review status: criteria provided, single submitter. Criteria: ACMG Guidelines, 2015. Collection method: clinical testing. Allele origin: germline.

Labcorp Genetics (formerly Invitae), Labcorp
Classification: Uncertain significance. Last evaluated: 2022-05-25. Review status: criteria provided, single submitter. Criteria: Invitae Variant Classification Sherloc (09022015). Collection method: clinical testing. Allele origin: germline.
Comment: This variant has not been reported in the literature in individuals affected with SLC34A1-related conditions. This sequence change replaces isoleucine, which is neutral and non-polar, with threonine, which is neutral and polar, at codon 473 of the SLC34A1 protein (p.Ile473Thr). This variant is present in population databases (rs184668287, gnomAD 0.01%). ClinVar contains an entry for this variant (Variation ID: 1058648). Algorithms developed to predict the effect of missense changes on protein structure and function (SIFT, PolyPhen-2, Align-GVGD) all suggest that this variant is likely to be disruptive. Algorithms developed to predict the effect of sequence changes on RNA splicing suggest that this variant may create or strengthen a splice site. In summary, the available evidence is currently insufficient to determine the role of this variant in disease. Therefore, it has been classified as a Variant of Uncertain Significance.

NM_003052.5(SLC34A1):c.1418T>C (p.Ile473Thr)

Gene: SLC34A1 (solute carrier family 34 member 1; plus strand). Cytogenetic location: 5q35.3.
Variant type: single nucleotide variant.
Coding change: c.1418T>C on transcript NM_003052.5 (MANE Select); coding-DNA position 1418, T replaced by C.
Protein change: p.Ile473Thr; replaces isoleucine 473 with threonine.
Molecular consequence: missense variant.
Genome position (GRCh38, 1-based): chr5:177,397,784, T>C. VCF-style: chr5-177397784-T-C. GRCh37 (hg19) VCF-style: chr5-176824785-T-C.
Other names: short protein forms I473T.
Identifiers: ClinVar variation 1058648 (VCV001058648.8), dbSNP rs184668287, ClinGen allele CA3580797.